The following is an entry in ClinVar:

NM_001042492.3(NF1):c.5677C>G (p.Leu1893Val)

Gene: NF1 (neurofibromin 1; plus strand). Cytogenetic location: 17q11.2.
Variant type: single nucleotide variant.
Coding change: c.5677C>G on transcript NM_001042492.3 (MANE Select); coding-DNA position 5677, C replaced by G.
Protein change: p.Leu1893Val; replaces leucine 1893 with valine.
Molecular consequence: missense variant.
Genome position (GRCh38, 1-based): chr17:31,330,363, C>G. VCF-style: chr17-31330363-C-G. GRCh37 (hg19) VCF-style: chr17-29657381-C-G.
Other names: c.5614C>G, p.Leu1872Val (NM_000267.4); short protein forms L1893V, L1872V.
Identifiers: ClinVar variation 1748644 (VCV001748644.8), dbSNP rs1597834730, ClinGen allele CA399010236.

ClinVar aggregate classification (germline): Uncertain significance. Review status: criteria provided, multiple submitters, no conflicts (2 of 4 stars). 3 submissions from 3 submitters: Uncertain significance (3). Last evaluated 2023-02-09.

Conditions:
Neurofibromatosis, type 1 (NF1). Also called: Peripheral type neurofibromatosis; VON RECKLINGHAUSEN DISEASE; NEUROFIBROMATOSIS, TYPE I, SOMATIC; Neurofibromatosis, type I. Identifiers: Orphanet 636, MedGen C0027831, MONDO:0018975, OMIM 162200. Disease mechanism: loss of function.
Cardiovascular phenotype. Identifiers: MedGen CN230736.
Hereditary cancer-predisposing syndrome. Also called: Hereditary Cancer Syndrome; Hereditary neoplastic syndrome; Neoplastic Syndromes, Hereditary; Tumor predisposition. Identifiers: Orphanet 140162, MedGen C0027672, MeSH D009386, MONDO:0015356.

gnomAD v4.1: 1 of 1,614,042 alleles (0.000062%); highest among the groups gnomAD compares: Non-Finnish European, 0.000085%; no homozygotes.

Submissions (3):

Blueprint Genetics
Classification: Uncertain significance. Last evaluated: 2023-02-09. Review status: criteria provided, single submitter. Criteria: ACMG Guidelines, 2015. Collection method: clinical testing. Allele origin: germline.

Labcorp Genetics (formerly Invitae), Labcorp
Classification: Uncertain significance for Neurofibromatosis, type 1. Last evaluated: 2022-12-24. Review status: criteria provided, single submitter. Criteria: Invitae Variant Classification Sherloc (09022015). Collection method: clinical testing. Allele origin: germline.
Comment: In summary, the available evidence is currently insufficient to determine the role of this variant in disease. Therefore, it has been classified as a Variant of Uncertain Significance. Advanced modeling of protein sequence and biophysical properties (such as structural, functional, and spatial information, amino acid conservation, physicochemical variation, residue mobility, and thermodynamic stability) performed at Invitae indicates that this missense variant is expected to disrupt NF1 protein function. ClinVar contains an entry for this variant (Variation ID: 1748644). This variant has not been reported in the literature in individuals affected with NF1-related conditions. This variant is not present in population databases (gnomAD no frequency). This sequence change replaces leucine, which is neutral and non-polar, with valine, which is neutral and non-polar, at codon 1872 of the NF1 protein (p.Leu1872Val).

Ambry Genetics
Classification: Uncertain significance for Cardiovascular phenotype; Hereditary cancer-predisposing syndrome. Last evaluated: 2021-07-16. Review status: criteria provided, single submitter. Criteria: Ambry Variant Classification Scheme 2023. Collection method: clinical testing. Allele origin: germline.
Comment: The p.L1872V variant (also known as c.5614C>G), located in coding exon 38 of the NF1 gene, results from a C to G substitution at nucleotide position 5614. The leucine at codon 1872 is replaced by valine, an amino acid with highly similar properties. This amino acid position is highly conserved in available vertebrate species. In addition, the in silico prediction for this alteration is inconclusive. Since supporting evidence is limited at this time, the clinical significance of this alteration remains unclear.